The following is an entry in ClinVar:

ClinVar aggregate classification (germline): Uncertain significance (1 of 4 stars; one submission).

Submission:

Biesecker Lab/Clinical Genomics Section, National Institutes of Health
Classification: Uncertain significance. Last evaluated: 2013-06-24. Review status: criteria provided, single submitter. Criteria: Ng et al. (Circ Cardiovasc Genet. 2013). Collection method: research. Allele origin: unknown. Observed: 1 variant allele. Study: ClinSeq.
Comment: The study set was not selected for affection status in relation to any cancer. Pathogenicity categories were based on literature curation. See Pubmed ID:23861362 for details.

Medical sequencing

NM_001267550.2(TTN):c.30544C>T (p.Pro10182Ser)

Gene: TTN (titin; minus strand). Cytogenetic location: 2q31.2.
Variant type: single nucleotide variant.
Coding change: c.30544C>T on transcript NM_001267550.2 (MANE Select); coding-DNA position 30544, C replaced by T.
Protein change: p.Pro10182Ser; replaces proline 10182 with serine.
Molecular consequence: missense variant. On other transcripts: intron variant (3).
Genome position (GRCh38, 1-based): chr2:178,701,582, G>A on the plus strand (C>T on the coding strand, the complement: TTN is on the minus strand). VCF-style: chr2-178701582-G-A. GRCh37 (hg19) VCF-style: chr2-179566309-G-A.
Other names: c.29593C>T, p.Pro9865Ser (NM_001256850.1); c.26812C>T, p.Pro8938Ser (NM_133378.4); c.13282+36500C>T (NM_003319.4); c.13858+36500C>T (NM_133437.4); c.13657+36500C>T (NM_133432.3); short protein forms P10182S, P8938S, P9865S.
Identifiers: ClinVar variation 191999 (VCV000191999.1), dbSNP rs786205311, ClinGen allele CA238066.